The following is an entry in ClinVar:

ClinVar aggregate classification (germline): Benign/Likely benign. Review status: criteria provided, multiple submitters, no conflicts (2 of 4 stars). 4 submissions from 4 submitters: Benign (1); Likely benign (3). Last evaluated 2025-07-06.

Conditions:
Hereditary cancer-predisposing syndrome. Also called: Hereditary Cancer Syndrome; Hereditary neoplastic syndrome; Neoplastic Syndromes, Hereditary; Tumor predisposition. Identifiers: Orphanet 140162, MedGen C0027672, MeSH D009386, MONDO:0015356.
Familial cancer of breast. Also called: Hereditary breast cancer; hereditary breast carcinoma; BREAST CANCER, FAMILIAL. Identifiers: Orphanet 227535, MedGen C0346153, MONDO:0016419, OMIM 114480. Disease mechanism: loss of function.

gnomAD v4.1: 1 of 1,614,090 alleles (0.000062%); highest among the groups gnomAD compares: Admixed American, 0.0017%; no homozygotes.

Submissions (4):

Labcorp Genetics (formerly Invitae), Labcorp
Classification: Likely benign for Familial cancer of breast. Last evaluated: 2025-07-06. Review status: criteria provided, single submitter. Criteria: Invitae Variant Classification Sherloc (09022015). Collection method: clinical testing. Allele origin: germline.

Myriad Genetics, Inc.
Classification: Benign for Familial cancer of breast. Last evaluated: 2025-01-22. Review status: criteria provided, single submitter. Criteria: Myriad Autosomal Dominant, Autosomal Recessive and X-Linked Classification Criteria (2023). Collection method: clinical testing. Allele origin: unknown.
Comment: This variant is considered benign. This variant is a silent/synonymous amino acid change and it is not expected to impact splicing.

GeneDx
Classification: Likely benign. Last evaluated: 2019-03-19. Review status: criteria provided, single submitter. Criteria: GeneDx Variant Classification Process June 2021. Collection method: clinical testing. Allele origin: germline. Affected: yes.
Comment: This variant is associated with the following publications: (PMID: 21618343)

Ambry Genetics
Classification: Likely benign for Hereditary cancer-predisposing syndrome. Last evaluated: 2015-11-27. Review status: criteria provided, single submitter. Criteria: Ambry Variant Classification Scheme 2023. Collection method: clinical testing. Allele origin: germline.

NM_024675.4(PALB2):c.3432C>G (p.Leu1144=)

Gene: PALB2 (partner and localizer of BRCA2; minus strand). Cytogenetic location: 16p12.2.
Variant type: single nucleotide variant.
Coding change: c.3432C>G on transcript NM_024675.4 (MANE Select); coding-DNA position 3432, C replaced by G.
Protein change: p.Leu1144=; no amino-acid change (leucine 1144 retained).
Molecular consequence: synonymous variant.
Genome position (GRCh38, 1-based): chr16:23,603,588, G>C on the plus strand (C>G on the coding strand, the complement: PALB2 is on the minus strand). VCF-style: chr16-23603588-G-C. GRCh37 (hg19) VCF-style: chr16-23614909-G-C.
Identifiers: ClinVar variation 390708 (VCV000390708.16), dbSNP rs748363227, ClinGen allele CA7963340.